The following is an entry in ClinVar:

NM_001370658.1(BTD):c.1089C>A (p.Ala363=)

Gene: BTD (biotinidase; plus strand). Cytogenetic location: 3p25.1.
Variant type: single nucleotide variant.
Coding change: c.1089C>A on transcript NM_001370658.1 (MANE Select); coding-DNA position 1089, C replaced by A.
Protein change: p.Ala363=; no amino-acid change (alanine 363 retained).
Molecular consequence: synonymous variant. On other transcripts: intron variant (8).
Genome position (GRCh38, 1-based): chr3:15,645,005, C>A. VCF-style: chr3-15645005-C-A. GRCh37 (hg19) VCF-style: chr3-15686512-C-A.
Other names: c.1089C>A, p.Ala363= (NM_001407376.1, NM_001407377.1, NM_001407378.1 and 16 more transcripts); c.1015+74C>A (NM_001370752.1, NM_001407379.1); c.399+2948C>A (NM_001370753.1, NM_001407400.1, NM_001407401.1 and 3 more transcripts).
Identifiers: ClinVar variation 4874308 (VCV004874308.2).

ClinVar aggregate classification (germline): Likely benign (1 of 4 stars; one submission).

Submission:

CeGaT Center for Human Genetics Tuebingen
Classification: Likely benign. Last evaluated: 2026-05-01. Review status: criteria provided, single submitter. Criteria: CeGaT Center For Human Genetics Tuebingen Variant Classification Criteria Version 2. Collection method: clinical testing. Allele origin: germline. Affected: yes. Observed: 1 variant allele.
Comment: BTD: PM2:Supporting, BP4, BP7